The following is an entry in ClinVar:

NM_001128840.3(CACNA1D):c.3518G>A (p.Arg1173His)

Gene: CACNA1D (calcium voltage-gated channel subunit alpha1 D; plus strand). Cytogenetic location: 3p21.1.
Variant type: single nucleotide variant.
Coding change: c.3518G>A on transcript NM_001128840.3 (MANE Select); coding-DNA position 3518, G replaced by A.
Protein change: p.Arg1173His; replaces arginine 1173 with histidine.
Molecular consequence: missense variant.
Genome position (GRCh38, 1-based): chr3:53,751,750, G>A. VCF-style: chr3-53751750-G-A. GRCh37 (hg19) VCF-style: chr3-53785777-G-A.
Other names: c.3578G>A, p.Arg1193His (NM_000720.4); c.3518G>A, p.Arg1173His (NM_001128839.3); c.3578G>A (NM_000720.3); short protein forms R1193H, R1173H.
Identifiers: ClinVar variation 1940142 (VCV001940142.6), dbSNP rs756577309, ClinGen allele CA353250139.

ClinVar aggregate classification (germline): Uncertain significance. Review status: criteria provided, multiple submitters, no conflicts (2 of 4 stars). 2 submissions from 2 submitters: Uncertain significance (2). Last evaluated 2023-08-23.

Conditions:
CACNA1D-related disorder.

Allele frequency attached by ClinVar (database versions not stated): TOPMed 0.00001; gnomAD 0.00001.

Submissions (2):

PreventionGenetics, part of Exact Sciences
Classification: Uncertain significance for CACNA1D-related condition. Last evaluated: 2023-08-23. Review status: criteria provided, single submitter. Criteria: ACMG Guidelines, 2015. Collection method: clinical testing. Allele origin: germline.
Comment: The CACNA1D c.3578G>A variant is predicted to result in the amino acid substitution p.Arg1193His. To our knowledge, this variant has not been reported in the literature or in a large population database, indicating this variant is rare. At this time, the clinical significance of this variant is uncertain due to the absence of conclusive functional and genetic evidence.

Labcorp Genetics (formerly Invitae), Labcorp
Classification: Uncertain significance. Last evaluated: 2022-02-07. Review status: criteria provided, single submitter. Criteria: Invitae Variant Classification Sherloc (09022015). Collection method: clinical testing. Allele origin: germline.
Comment: This variant is not present in population databases (gnomAD no frequency). In summary, the available evidence is currently insufficient to determine the role of this variant in disease. Therefore, it has been classified as a Variant of Uncertain Significance. Algorithms developed to predict the effect of missense changes on protein structure and function (SIFT, PolyPhen-2, Align-GVGD) all suggest that this variant is likely to be disruptive. This variant has not been reported in the literature in individuals affected with CACNA1D-related conditions. This sequence change replaces arginine, which is basic and polar, with histidine, which is basic and polar, at codon 1193 of the CACNA1D protein (p.Arg1193His).